The following is an entry in ClinVar:

NM_000310.4(PPT1):c.124+7G>A

Genes: PPT1 (palmitoyl-protein thioesterase 1; minus strand), LOC129930245 (ATAC-STARR-seq lymphoblastoid active region 829; plus strand). Cytogenetic location: 1p34.2.
Variant type: single nucleotide variant.
Coding change: c.124+7G>A on transcript NM_000310.4 (MANE Select); 7 bases into the intron after coding-DNA position 124, G replaced by A.
Molecular consequence: intron variant.
Genome position (GRCh38, 1-based): chr1:40,097,108, C>T on the plus strand (G>A on the coding strand, the complement: PPT1 is on the minus strand). VCF-style: chr1-40097108-C-T. GRCh37 (hg19) VCF-style: chr1-40562780-C-T.
Other names: c.124+7G>A (NM_001142604.2, NM_001363695.2).
Identifiers: ClinVar variation 2099550 (VCV002099550.4), dbSNP rs1649898430, ClinGen allele CA2574329859.

ClinVar aggregate classification (germline): Uncertain significance (1 of 4 stars; one submission).

Conditions:
Neuronal ceroid lipofuscinosis 1 (CLN1). Also called: PPT1-Related Neuronal Ceroid-Lipofuscinosis; CEROID LIPOFUSCINOSIS, NEURONAL, 1, VARIABLE AGE AT ONSET. Identifiers: Orphanet 228329, MedGen C1850451, MONDO:0009744, OMIM 256730.

Submission:

Labcorp Genetics (formerly Invitae), Labcorp
Classification: Uncertain significance for Neuronal ceroid lipofuscinosis 1. Last evaluated: 2022-02-19. Review status: criteria provided, single submitter. Criteria: Invitae Variant Classification Sherloc (09022015). Collection method: clinical testing. Allele origin: germline.
Comment: In summary, the available evidence is currently insufficient to determine the role of this variant in disease. Therefore, it has been classified as a Variant of Uncertain Significance. Algorithms developed to predict the effect of sequence changes on RNA splicing suggest that this variant may create or strengthen a splice site. This variant has not been reported in the literature in individuals affected with PPT1-related conditions. This variant is not present in population databases (gnomAD no frequency). This sequence change falls in intron 1 of the PPT1 gene. It does not directly change the encoded amino acid sequence of the PPT1 protein.